The following is an entry in ClinVar:

NM_145331.3(MAP3K7):c.815C>A (p.Ser272Tyr)

Gene: MAP3K7 (mitogen-activated protein kinase kinase kinase 7; minus strand). Cytogenetic location: 6q15.
Variant type: single nucleotide variant.
Coding change: c.815C>A on transcript NM_145331.3 (MANE Select); coding-DNA position 815, C replaced by A.
Protein change: p.Ser272Tyr; replaces serine 272 with tyrosine.
Molecular consequence: missense variant.
Genome position (GRCh38, 1-based): chr6:90,552,101, G>T on the plus strand (C>A on the coding strand, the complement: MAP3K7 is on the minus strand). VCF-style: chr6-90552101-G-T. GRCh37 (hg19) VCF-style: chr6-91261820-G-T.
Other names: c.815C>A, p.Ser272Tyr (NM_003188.4, NM_145332.3, NM_145333.3); short protein forms S272Y.
Identifiers: ClinVar variation 1173089 (VCV001173089.4), dbSNP rs2127974446, ClinGen allele CA365011779.

ClinVar aggregate classification (germline): Likely pathogenic (1 of 4 stars; one submission).

Conditions:
Frontometaphyseal dysplasia 2 (FMD2). Identifiers: MedGen C4310697, MONDO:0014935, OMIM 617137.
Cardiospondylocarpofacial syndrome (CSCF). Identifiers: Orphanet 3238, MedGen C2931461, MONDO:0008005, OMIM 157800.

Submission:

Diagnostics Services (NGS), CSIR - Centre For Cellular And Molecular Biology
Classification: Likely pathogenic for Cardiospondylocarpofacial syndrome; Frontometaphyseal dysplasia 2. Last evaluated: 2021-01-25. Review status: criteria provided, single submitter. Criteria: ACMG Guidelines, 2015. Collection method: clinical testing. Allele origin: unknown. Inheritance: Autosomal dominant inheritance. Affected: yes. Observed: 1 variant allele, 1 heterozygote.
Comment: The c.815C>A variant is not present in publicly available population databases like 1000 Genomes, Exome Variant Server (EVS), Exome Aggregation Consortium (ExAC), Genome Aggregation Database (gnomAD) and dbSNP. The variant is not present in our in-house exome database.The variant was not reported earlier to ClinVar, Human Genome Mutation Database (HGMD) and OMIM datanbases. In-silico pathogenicity prediction programs like SIFT, Polyphen-2, MutationTaster2, CADD, InterVar, Varsome etc. predicted this variant to be likely deleterious. However there are no reported or established functional studies present to prove it's pathogenicity. Due to lack of enough evidence the variant has been classified as Likely Pathogenic.